The following is an entry in ClinVar:

ClinVar aggregate classification (germline): Conflicting classifications of pathogenicity. Review status: criteria provided, conflicting classifications (1 of 4 stars). 3 submissions from 3 submitters: Uncertain significance (2); Likely benign (1). Last evaluated 2026-05-06.

Conditions:
Holoprosencephaly 9 (HPE9). Also called: PITUITARY ANOMALIES WITH HOLOPROSENCEPHALY-LIKE FEATURES; HOLOPROSENCEPHALY WITH MICROPHTHALMIA AND FIRST BRANCHIAL ARCH ANOMALIES. Identifiers: Orphanet 2162, MedGen C1835819, MONDO:0012563, OMIM 610829.
Postaxial polydactyly-anterior pituitary anomalies-facial dysmorphism syndrome. Also called: Culler-Jones syndrome. Identifiers: Orphanet 420584, MedGen C4014479, MONDO:0014369, OMIM 615849.
Inborn genetic diseases. Identifiers: MedGen C0950123, MeSH D030342.

Allele frequency attached by ClinVar (database versions not stated): ExAC 0.00003; gnomAD exomes 0.00005 and 0.00004; TOPMed 0.00005; gnomAD 0.00001.
gnomAD v4.1: 24 of 1,612,988 alleles (0.0015%); highest among the groups gnomAD compares: Admixed American, 0.038%; no homozygotes.

Submissions (3):

Women's Health and Genetics/Laboratory Corporation of America, LabCorp
Classification: Uncertain significance. Last evaluated: 2026-05-06. Review status: criteria provided, single submitter. Criteria: LabCorp Variant Classification Summary - May 2015. Collection method: clinical testing. Allele origin: germline.
Comment: Variant summary: GLI2 c.3569G>T (p.Gly1190Val) results in a non-conservative amino acid change in the encoded protein sequence. Algorithms developed to predict the effect of missense changes on protein structure and function are either unavailable or do not agree on the potential impact of this missense change. The variant allele was found at a frequency of 4.9e-05 in 245620 control chromosomes, predominantly at a frequency of 0.00035 within the Latino subpopulation in the gnomAD database. This frequency is not significantly higher than estimated for disease-causing variants in GLI2, allowing no conclusion about variant significance. To our knowledge, no occurrence of c.3569G>T in individuals affected with GLI2-related conditions and no experimental evidence demonstrating its impact on protein function have been reported. ClinVar contains an entry for this variant (Variation ID: 1379266). Based on the evidence outlined above, the variant was classified as uncertain significance.

Ambry Genetics
Classification: Likely benign for Inborn genetic diseases. Last evaluated: 2025-07-15. Review status: criteria provided, single submitter. Criteria: Ambry Variant Classification Scheme 2023. Collection method: clinical testing. Allele origin: germline.

Labcorp Genetics (formerly Invitae), Labcorp
Classification: Uncertain significance for Postaxial polydactyly-anterior pituitary anomalies-facial dysmorphism syndrome; Holoprosencephaly 9. Last evaluated: 2024-09-04. Review status: criteria provided, single submitter. Criteria: Invitae Variant Classification Sherloc (09022015). Collection method: clinical testing. Allele origin: germline.
Comment: This sequence change replaces glycine, which is neutral and non-polar, with valine, which is neutral and non-polar, at codon 1190 of the GLI2 protein (p.Gly1190Val). This variant is present in population databases (rs774621554, gnomAD 0.04%), and has an allele count higher than expected for a pathogenic variant. This variant has not been reported in the literature in individuals affected with GLI2-related conditions. ClinVar contains an entry for this variant (Variation ID: 1379266). Invitae Evidence Modeling of protein sequence and biophysical properties (such as structural, functional, and spatial information, amino acid conservation, physicochemical variation, residue mobility, and thermodynamic stability) indicates that this missense variant is not expected to disrupt GLI2 protein function with a negative predictive value of 80%. In summary, the available evidence is currently insufficient to determine the role of this variant in disease. Therefore, it has been classified as a Variant of Uncertain Significance.

NM_001374353.1(GLI2):c.3518G>T (p.Gly1173Val)

Gene: GLI2 (GLI family zinc finger 2; plus strand). Cytogenetic location: 2q14.2.
Variant type: single nucleotide variant.
Coding change: c.3518G>T on transcript NM_001374353.1 (MANE Select); coding-DNA position 3518, G replaced by T.
Protein change: p.Gly1173Val; replaces glycine 1173 with valine.
Molecular consequence: missense variant.
Genome position (GRCh38, 1-based): chr2:120,989,483, G>T. VCF-style: chr2-120989483-G-T. GRCh37 (hg19) VCF-style: chr2-121747059-G-T.
Other names: c.3569G>T, p.Gly1190Val (NM_001371271.1, NM_005270.5); c.3143G>T, p.Gly1048Val (NM_001374354.1); c.3569G>T (NM_005270.4); short protein forms G1048V, G1173V, G1190V.
Identifiers: ClinVar variation 1379266 (VCV001379266.10), dbSNP rs774621554, ClinGen allele CA1852422.